The following is an entry in ClinVar:

NM_015466.4(PTPN23):c.3461C>T (p.Pro1154Leu)

Gene: PTPN23 (protein tyrosine phosphatase non-receptor type 23; plus strand). Cytogenetic location: 3p21.31.
Variant type: single nucleotide variant.
Coding change: c.3461C>T on transcript NM_015466.4 (MANE Select); coding-DNA position 3461, C replaced by T.
Protein change: p.Pro1154Leu; replaces proline 1154 with leucine.
Molecular consequence: missense variant.
Genome position (GRCh38, 1-based): chr3:47,411,259, C>T. VCF-style: chr3-47411259-C-T. GRCh37 (hg19) VCF-style: chr3-47452749-C-T.
Other names: c.3461C>T (NM_015466.2); c.3083C>T, p.Pro1028Leu (NM_001304482.2); short protein forms P1154L, P1028L.
Identifiers: ClinVar variation 1367773 (VCV001367773.6), dbSNP rs754227674, ClinGen allele CA2366285.

ClinVar aggregate classification (germline): Uncertain significance. Review status: criteria provided, multiple submitters, no conflicts (2 of 4 stars). 2 submissions from 2 submitters: Uncertain significance (2). Last evaluated 2025-03-25.

Conditions:
Inborn genetic diseases. Identifiers: MedGen C0950123, MeSH D030342.

Allele frequency attached by ClinVar (database versions not stated): TOPMed 0.00002; gnomAD 0.00004 and 0.00003; ExAC 0.00005; gnomAD exomes 0.00003 and 0.00008.
gnomAD v4.1: 43 of 1,609,740 alleles (0.0027%); highest among the groups gnomAD compares: South Asian, 0.022%; 1 homozygote.

Submissions (2):

Ambry Genetics
Classification: Uncertain significance for Inborn genetic diseases. Last evaluated: 2025-03-25. Review status: criteria provided, single submitter. Criteria: Ambry Variant Classification Scheme 2023. Collection method: clinical testing. Allele origin: germline.

Labcorp Genetics (formerly Invitae), Labcorp
Classification: Uncertain significance. Last evaluated: 2024-02-24. Review status: criteria provided, single submitter. Criteria: Invitae Variant Classification Sherloc (09022015). Collection method: clinical testing. Allele origin: germline.
Comment: This sequence change replaces proline, which is neutral and non-polar, with leucine, which is neutral and non-polar, at codon 1154 of the PTPN23 protein (p.Pro1154Leu). This variant is present in population databases (rs754227674, gnomAD 0.04%), including at least one homozygous and/or hemizygous individual. This variant has not been reported in the literature in individuals affected with PTPN23-related conditions. ClinVar contains an entry for this variant (Variation ID: 1367773). An algorithm developed to predict the effect of missense changes on protein structure and function (PolyPhen-2) suggests that this variant is likely to be disruptive. In summary, the available evidence is currently insufficient to determine the role of this variant in disease. Therefore, it has been classified as a Variant of Uncertain Significance.